The following is an entry in ClinVar:

NM_001048174.2(MUTYH):c.120_121delinsC (p.Ala41fs)

Gene: MUTYH (mutY DNA glycosylase; minus strand). Cytogenetic location: 1p34.1.
Variant type: Indel.
Coding change: c.120_121delinsC on transcript NM_001048174.2 (MANE Select); coding-DNA positions 120 to 121, GG replaced by C.
Protein change: p.Ala41fs; shifts the reading frame from alanine 41.
Molecular consequence: frameshift variant. On other transcripts: 5 prime UTR variant (1), non-coding transcript variant (5), intron variant (5).
Genome position (GRCh38, 1-based): chr1:45,333,556-45,333,557, CC replaced by G on the plus strand (GG replaced by C on the coding strand, the reverse complement: MUTYH is on the minus strand). VCF-style: chr1-45333556-CC-G. GRCh37 (hg19) VCF-style: chr1-45799228-CC-G.
Other names: c.120_121delinsC, p.Ala41fs (NM_001048171.2, NM_001048173.2, NM_001293195.2 and 6 more transcripts); c.123_124delinsC, p.Ala42fs (NM_001048172.2, NM_001407071.1, NM_001407078.1 and 2 more transcripts); c.204_205delinsC, p.Ala69fs (NM_001128425.2); c.165_166delinsC, p.Ala56fs (NM_001293190.2); c.153_154delinsC, p.Ala52fs (NM_001293191.2, NM_001407077.1); c.-152_-151delinsC (NM_001350650.2); c.195_196delinsC, p.Ala66fs (NM_001407069.1, NM_012222.3); c.162_163delinsC, p.Ala55fs (NM_001407073.1, NM_001407083.1, NM_001407085.1); and 4 more; short protein forms A13fs, A41fs, A42fs, A48fs, A52fs, A55fs, A56fs, A66fs.
Identifiers: ClinVar variation 4759059 (VCV004759059.1).
Genomic context (GRCh38, chr1:45,333,556, plus strand): 5'-CTCTGAATAGATGGTATGAGGAGACAGAGGCCTGCAATACCACCTCTTCCGGCTGCCTGG[CC>G]AGGCCTGCTGGGGCCCCAGGACACTCAGCAATCATCCCTGCACAGGCTGTGCATCAGGGT-3'

ClinVar aggregate classification (germline): Pathogenic (1 of 4 stars; one submission).

Conditions:
Hereditary cancer-predisposing syndrome. Also called: Neoplastic Syndromes, Hereditary; Hereditary neoplastic syndrome; Tumor predisposition; Hereditary Cancer Syndrome. Identifiers: Orphanet 140162, MedGen C0027672, MeSH D009386, MONDO:0015356.

Submission:

Color Diagnostics, LLC DBA Color Health
Classification: Pathogenic for Hereditary cancer-predisposing syndrome. Last evaluated: 2025-07-22. Review status: criteria provided, single submitter. Criteria: ACMG Guidelines, 2015. Collection method: clinical testing. Allele origin: germline.
Comment: This variant deletes 3 nucleotides in exon 3 of the MUTYH gene, creating a frameshift and premature translation stop signal. This variant is expected to result in an absent or non-functional protein product. To our knowledge, this variant has not been reported in individuals affected with MUTYH-related disorders in the literature. This variant has not been identified in the general population by the Genome Aggregation Database (gnomAD). Loss of MUTYH function is a known mechanism of disease. Based on the available evidence, this variant is classified as Pathogenic.